The following is an entry in ClinVar:

ClinVar aggregate classification (germline): Uncertain significance (1 of 4 stars; one submission).

Allele frequency attached by ClinVar (database versions not stated): gnomAD exomes below 0.00001; gnomAD 0.00001.
gnomAD v4.1: 6 of 1,613,544 alleles (0.00037%); highest among the groups gnomAD compares: Non-Finnish European, 0.00051%; no homozygotes.

Submission:

Labcorp Genetics (formerly Invitae), Labcorp
Classification: Uncertain significance. Last evaluated: 2022-06-14. Review status: criteria provided, single submitter. Criteria: Invitae Variant Classification Sherloc (09022015). Collection method: clinical testing. Allele origin: germline.
Comment: In summary, the available evidence is currently insufficient to determine the role of this variant in disease. Therefore, it has been classified as a Variant of Uncertain Significance. Algorithms developed to predict the effect of missense changes on protein structure and function (SIFT, PolyPhen-2, Align-GVGD) all suggest that this variant is likely to be disruptive. This variant has not been reported in the literature in individuals affected with DARS-related conditions. This variant is not present in population databases (gnomAD no frequency). This sequence change replaces isoleucine, which is neutral and non-polar, with threonine, which is neutral and polar, at codon 127 of the DARS protein (p.Ile127Thr).

NM_001349.4(DARS1):c.380T>C (p.Ile127Thr)

Gene: DARS1 (aspartyl-tRNA synthetase 1; minus strand). Cytogenetic location: 2q21.3.
Variant type: single nucleotide variant.
Coding change: c.380T>C on transcript NM_001349.4 (MANE Select); coding-DNA position 380, T replaced by C.
Protein change: p.Ile127Thr; replaces isoleucine 127 with threonine.
Molecular consequence: missense variant.
Genome position (GRCh38, 1-based): chr2:135,943,421, A>G on the plus strand (T>C on the coding strand, the complement: DARS1 is on the minus strand). VCF-style: chr2-135943421-A-G. GRCh37 (hg19) VCF-style: chr2-136700991-A-G.
Other names: c.80T>C, p.Ile27Thr (NM_001293312.1); short protein forms I127T, I27T.
Identifiers: ClinVar variation 1898800 (VCV001898800.5), dbSNP rs1040977441, ClinGen allele CA56846216.
Genomic context (GRCh38, chr2:135,943,421, plus strand): 5'-ATTTTGAAAAAACTTACCTTCTGAACATGTAACTCAACGTCTTGCTGTGTACAGCTTCCA[A>G]TTTTCTGATTCACTTTTCTCACAACACCTTCTACATCCACAATGCTCTCTTTGTTGATGC-3'
Protein context (NP_001340.2, residues 117-137): EGVVRKVNQK[Ile127Thr]GSCTQQDVEL